The following is an entry in ClinVar:

NM_001267550.2(TTN):c.1537-4G>A

Gene: TTN (titin; minus strand). Cytogenetic location: 2q31.2.
Variant type: single nucleotide variant.
Coding change: c.1537-4G>A on transcript NM_001267550.2 (MANE Select); 4 bases into the intron before coding-DNA position 1537, G replaced by A.
Molecular consequence: intron variant.
Genome position (GRCh38, 1-based): chr2:178,792,201, C>T on the plus strand (G>A on the coding strand, the complement: TTN is on the minus strand). VCF-style: chr2-178792201-C-T. GRCh37 (hg19) VCF-style: chr2-179656928-C-T.
Other names: p.?; c.1537-4G>A (NM_003319.4, NM_133378.4, NM_001256850.1 and 3 more transcripts).
Identifiers: ClinVar variation 137787 (VCV000137787.40), dbSNP rs56006378, ClinGen allele CA295559.
Genomic context (GRCh38, chr2:178,792,201, plus strand): 5'-TTTAGCTGCGGAAATTACTACCTTTGGTACAAATGTTTTTTCAGTTTCTTTTCTTATCTG[C>T]AAAGAATGATTTAAGAAAAAACTTTATTTCCTGATGCCCAATGAAATAATATGGTGTTTA-3'

ClinVar aggregate classification (germline): Benign/Likely benign. Review status: criteria provided, multiple submitters, no conflicts (2 of 4 stars). 22 submissions from 15 submitters: Benign (15); Likely benign (4). 3 of the submissions do not count toward it. Last evaluated 2026-03-27.

Conditions:
Cardiovascular phenotype. Identifiers: MedGen CN230736.
Dilated cardiomyopathy 1G (CMD1G). Identifiers: Orphanet 154, MedGen C1858763, MONDO:0011400, OMIM 604145.
Autosomal recessive limb-girdle muscular dystrophy type 2J (LGMDR10). Also called: Limb-girdle muscular dystrophy, type 2J; MUSCULAR DYSTROPHY, LIMB-GIRDLE, AUTOSOMAL RECESSIVE 10. Identifiers: Orphanet 140922, MedGen C1837342, MONDO:0012127, OMIM 608807.
Cardiomyopathy (CMYO). Also called: Cardiomyopathies. Identifiers: Orphanet 167848, MedGen C0878544, MONDO:0004994, HP:0001638. Inheritance: Various modes of inheritance.
Early-onset myopathy with fatal cardiomyopathy (CMYO5). Also called: Salih Myopathy; CONGENITAL MYOPATHY 5 WITH CARDIOMYOPATHY. Identifiers: Orphanet 289377, MedGen C2673677, MONDO:0012714, OMIM 611705. Disease mechanism: loss of function.
Tibial muscular dystrophy (TMD). Also called: UDD MYOPATHY; Tibial muscular dystrophy, tardive; Udd Distal Myopathy – Tibial Muscular Dystrophy. Identifiers: Orphanet 609, MedGen C1838244, MONDO:0010870, OMIM 600334.
Myopathy, myofibrillar, 9, with early respiratory failure (MFM9). Also called: MYOPATHY, PROXIMAL, WITH EARLY RESPIRATORY MUSCLE INVOLVEMENT; EDSTROM MYOPATHY; Hereditary myopathy with early respiratory failure; Myopathy, distal, with early respiratory failure, autosomal dominant. Identifiers: Orphanet 178464, Orphanet 34521, MedGen C1863599, MONDO:0011362, OMIM 603689.

Allele frequency attached by ClinVar (database versions not stated): TOPMed 0.00144; ExAC 0.00215; 1000 Genomes Project 0.00619; gnomAD 0.00115 and 0.00079; 1000 Genomes Project 30x 0.00578; gnomAD exomes 0.00060 and 0.00212.
gnomAD v4.1: 1,102 of 1,602,738 alleles (0.069%); highest among the groups gnomAD compares: East Asian, 2.1%; 17 homozygotes.

Submissions (22):

Molecular Diagnostic Laboratory for Inherited Cardiovascular Disease, Montreal Heart Institute
Classification: Likely benign. Last evaluated: 2026-03-27. Review status: criteria provided, single submitter. Criteria: ACMG Guidelines, 2015. Collection method: clinical testing. Allele origin: germline. Affected: no.
Comment: BS1

Labcorp Genetics (formerly Invitae), Labcorp
Classification: Benign for Dilated cardiomyopathy 1G; Autosomal recessive limb-girdle muscular dystrophy type 2J. Last evaluated: 2026-02-03. Review status: criteria provided, single submitter. Criteria: Invitae Variant Classification Sherloc (09022015). Collection method: clinical testing. Allele origin: germline.

Mayo Clinic Laboratories, Mayo Clinic
Classification: Benign. Last evaluated: 2025-02-05. Review status: criteria provided, single submitter. Criteria: ACMG Guidelines, 2015. Collection method: clinical testing. Allele origin: germline. Observed: 6 variant alleles.
Comment: BS1, BS2, BP4, BP7

Women's Health and Genetics/Laboratory Corporation of America, LabCorp
Classification: Benign. Last evaluated: 2023-05-15. Review status: criteria provided, single submitter. Criteria: LabCorp Variant Classification Summary - May 2015. Collection method: clinical testing. Allele origin: germline.

Genome-Nilou Lab
Classification: Benign for Autosomal recessive limb-girdle muscular dystrophy type 2J. Last evaluated: 2021-09-10. Review status: criteria provided, single submitter. Criteria: ACMG Guidelines, 2015. Collection method: clinical testing. Allele origin: germline. Affected: no.

Genome-Nilou Lab
Classification: Benign for Myopathy, myofibrillar, 9, with early respiratory failure. Last evaluated: 2021-09-10. Review status: criteria provided, single submitter. Criteria: ACMG Guidelines, 2015. Collection method: clinical testing. Allele origin: germline. Affected: no.

Genome-Nilou Lab
Classification: Benign for Early-onset myopathy with fatal cardiomyopathy. Last evaluated: 2021-09-10. Review status: criteria provided, single submitter. Criteria: ACMG Guidelines, 2015. Collection method: clinical testing. Allele origin: germline. Affected: no.

Genome-Nilou Lab
Classification: Benign for Tibial muscular dystrophy. Last evaluated: 2021-09-10. Review status: criteria provided, single submitter. Criteria: ACMG Guidelines, 2015. Collection method: clinical testing. Allele origin: germline. Affected: no.

Athena Diagnostics
Classification: Benign. Last evaluated: 2018-04-09. Review status: criteria provided, single submitter. Criteria: Athena Diagnostics Criteria. Collection method: clinical testing. Allele origin: germline.

Illumina Laboratory Services, Illumina
Classification: Likely benign for Early-onset myopathy with fatal cardiomyopathy. Last evaluated: 2018-01-13. Review status: criteria provided, single submitter. Criteria: ICSL Variant Classification Criteria 13 December 2019. Collection method: clinical testing. Allele origin: germline.
Comment: This variant was observed in the ICSL laboratory as part of a predisposition screen in an ostensibly healthy population. It had not been previously curated by ICSL or reported in the Human Gene Mutation Database (HGMD: prior to June 1st, 2018), and was therefore a candidate for classification through an automated scoring system. Utilizing variant allele frequency, disease prevalence and penetrance estimates, and inheritance mode, an automated score was calculated to assess if this variant is too frequent to cause the disease. Based on the score and internal cut-off values, a variant classified as likely benign is not then subjected to further curation. The score for this variant resulted in a classification of likely benign for this disease.

Illumina Laboratory Services, Illumina
Classification: Likely benign for Autosomal recessive limb-girdle muscular dystrophy type 2J. Last evaluated: 2018-01-13. Review status: criteria provided, single submitter. Criteria: ICSL Variant Classification Criteria 13 December 2019. Collection method: clinical testing. Allele origin: germline.
Comment: the same text as in the submission from Illumina Laboratory Services, Illumina above.

Illumina Laboratory Services, Illumina
Classification: Likely benign for Dilated cardiomyopathy 1G. Last evaluated: 2018-01-13. Review status: criteria provided, single submitter. Criteria: ICSL Variant Classification Criteria 13 December 2019. Collection method: clinical testing. Allele origin: germline.
Comment: the same text as in the submission from Illumina Laboratory Services, Illumina above.

Illumina Laboratory Services, Illumina
Classification: Benign for Myopathy, myofibrillar, 9, with early respiratory failure. Last evaluated: 2018-01-13. Review status: criteria provided, single submitter. Criteria: ICSL Variant Classification Criteria 13 December 2019. Collection method: clinical testing. Allele origin: germline.
Comment: This variant was observed in the ICSL laboratory as part of a predisposition screen in an ostensibly healthy population. It had not been previously curated by ICSL or reported in the Human Gene Mutation Database (HGMD: prior to June 1st, 2018), and was therefore a candidate for classification through an automated scoring system. Utilizing variant allele frequency, disease prevalence and penetrance estimates, and inheritance mode, an automated score was calculated to assess if this variant is too frequent to cause the disease. Based on the score and internal cut-off values, a variant classified as benign is not then subjected to further curation. The score for this variant resulted in a classification of benign for this disease.

Illumina Laboratory Services, Illumina
Classification: Benign for Tibial muscular dystrophy. Last evaluated: 2018-01-13. Review status: criteria provided, single submitter. Criteria: ICSL Variant Classification Criteria 13 December 2019. Collection method: clinical testing. Allele origin: germline.
Comment: the same text as in the submission from Illumina Laboratory Services, Illumina above.

Ambry Genetics
Classification: Benign for Cardiovascular phenotype. Last evaluated: 2016-05-14. Review status: criteria provided, single submitter. Criteria: Ambry Variant Classification Scheme 2023. Collection method: clinical testing. Allele origin: germline.

CHEO Genetics Diagnostic Laboratory, Children's Hospital of Eastern Ontario
Classification: Benign for Cardiomyopathy. Last evaluated: 2015-12-07. Review status: criteria provided, single submitter. Criteria: ACMG Guidelines, 2015. Collection method: clinical testing. Allele origin: germline. Study: Canadian Open Genetics Repository.

Eurofins Ntd Llc (ga)
Classification: Benign. Last evaluated: 2015-09-11. Review status: criteria provided, single submitter. Criteria: EGL Classification Definitions 2015. Collection method: clinical testing. Allele origin: germline. Observed: 1 variant allele, 1 heterozygote.

GeneDx
Classification: Benign. Last evaluated: 2014-04-07. Review status: criteria provided, single submitter. Criteria: GeneDx Variant Classification (06012015). Collection method: clinical testing. Allele origin: germline. Affected: yes.
Comment: This variant is considered likely benign or benign based on one or more of the following criteria: it is a conservative change, it occurs at a poorly conserved position in the protein, it is predicted to be benign by multiple in silico algorithms, and/or has population frequency not consistent with disease.

Laboratory for Molecular Medicine, Mass General Brigham Personalized Medicine
Classification: Benign. Last evaluated: 2013-10-21. Review status: criteria provided, single submitter. Criteria: LMM Criteria. Collection method: clinical testing. Allele origin: germline. Observed: 4 variant alleles.
Comment: 1537-4G>A in intron 9 of TTN: This variant is not expected to have clinical sign ificance because it is not located within the conserved splice consensus sequenc e. It has been identified in 2.1% (12/572) of Asian chromosomes from a broad pop ulation by the 1000 Genomes Project (d bSNP rs56006378).

Clinical Genetics DNA and cytogenetics Diagnostics Lab, Erasmus MC, Erasmus Medical Center
Classification: Benign. Review status: no assertion criteria provided. Collection method: clinical testing. Allele origin: germline. Affected: yes. Study: VKGL Data-share Consensus. Not counted in ClinVar's aggregate classification.

Clinical Genetics, Academic Medical Center
Classification: Benign. Review status: no assertion criteria provided. Collection method: clinical testing. Allele origin: germline. Affected: yes. Study: VKGL Data-share Consensus. Not counted in ClinVar's aggregate classification.

Diagnostic Laboratory, Department of Genetics, University Medical Center Groningen
Classification: Likely benign. Review status: no assertion criteria provided. Collection method: clinical testing. Allele origin: germline. Affected: yes. Study: VKGL Data-share Consensus. Not counted in ClinVar's aggregate classification.